The following is an entry in ClinVar:

NM_031935.3(HMCN1):c.12691-3T>C

Gene: HMCN1 (hemicentin 1; plus strand). Cytogenetic location: 1q31.1.
Variant type: single nucleotide variant.
Coding change: c.12691-3T>C on transcript NM_031935.3 (MANE Select); 3 bases into the intron before coding-DNA position 12691, T replaced by C.
Molecular consequence: intron variant.
Genome position (GRCh38, 1-based): chr1:186,128,075, T>C. VCF-style: chr1-186128075-T-C. GRCh37 (hg19) VCF-style: chr1-186097207-T-C.
Identifiers: ClinVar variation 4698005 (VCV004698005.2).

ClinVar aggregate classification (germline): Conflicting classifications of pathogenicity. Review status: criteria provided, conflicting classifications (1 of 4 stars). 2 submissions from 2 submitters: Uncertain significance (1); Likely benign (1). Last evaluated 2026-01-28.

Submissions (2):

Labcorp Genetics (formerly Invitae), Labcorp
Classification: Uncertain significance. Last evaluated: 2026-01-28. Review status: criteria provided, single submitter. Criteria: Invitae Variant Classification Sherloc (09022015). Collection method: clinical testing. Allele origin: germline.
Comment: This sequence change falls in intron 82 of the HMCN1 gene. It does not directly change the encoded amino acid sequence of the HMCN1 protein. It affects a nucleotide within the consensus splice site. This variant is present in population databases (rs772301902, gnomAD 0.01%). This variant has not been reported in the literature in individuals affected with HMCN1-related conditions. Variants that disrupt the consensus splice site are a relatively common cause of aberrant splicing (PMID: 17576681, 9536098). Algorithms developed to predict the effect of sequence changes on RNA splicing suggest that this variant is not likely to affect RNA splicing. In summary, the available evidence is currently insufficient to determine the role of this variant in disease. Therefore, it has been classified as a Variant of Uncertain Significance.

Blueprint Genetics
Classification: Likely benign. Last evaluated: 2020-05-25. Review status: criteria provided, single submitter. Criteria: ACMG Guidelines, 2015. Collection method: clinical testing. Allele origin: germline.

Literature cited by the submitters: PubMed 17576681 (cited by Labcorp Genetics (formerly Invitae), Labcorp); PubMed 9536098 (cited by Labcorp Genetics (formerly Invitae), Labcorp).